The following is an entry in ClinVar:

ClinVar aggregate classification (germline): Uncertain significance (1 of 4 stars; one submission).

Conditions:
Hereditary cancer-predisposing syndrome. Also called: Neoplastic Syndromes, Hereditary; Tumor predisposition; Hereditary neoplastic syndrome; Hereditary Cancer Syndrome. Identifiers: Orphanet 140162, MedGen C0027672, MeSH D009386, MONDO:0015356.

Submission:

Ambry Genetics
Classification: Uncertain significance for Hereditary cancer-predisposing syndrome. Last evaluated: 2024-03-09. Review status: criteria provided, single submitter. Criteria: Ambry Variant Classification Scheme 2023. Collection method: clinical testing. Allele origin: germline.
Comment: The p.R375T variant (also known as c.1124G>C), located in coding exon 8 of the ATM gene, results from a G to C substitution at nucleotide position 1124. The arginine at codon 375 is replaced by threonine, an amino acid with similar properties. This amino acid position is conserved. In addition, this alteration is predicted to be tolerated by in silico analysis. Based on the available evidence, the clinical significance of this alteration remains unclear.

NM_000051.4(ATM):c.1124G>C (p.Arg375Thr)

Gene: ATM (ATM serine/threonine kinase; plus strand). Cytogenetic location: 11q22.3.
Variant type: single nucleotide variant.
Coding change: c.1124G>C on transcript NM_000051.4 (MANE Select); coding-DNA position 1124, G replaced by C.
Protein change: p.Arg375Thr; replaces arginine 375 with threonine.
Molecular consequence: missense variant.
Genome position (GRCh38, 1-based): chr11:108,248,991, G>C. VCF-style: chr11-108248991-G-C. GRCh37 (hg19) VCF-style: chr11-108119718-G-C.
Other names: c.1124G>C, p.Arg375Thr (NM_001351834.2); short protein forms R375T.
Identifiers: ClinVar variation 3232029 (VCV003232029.1), dbSNP rs2135292179, ClinGen allele CA382532430.